The following is an entry in ClinVar:

ClinVar aggregate classification (germline): Uncertain significance (1 of 4 stars; one submission).

Submission:

GeneDx
Classification: Uncertain significance. Last evaluated: 2025-12-10. Review status: criteria provided, single submitter. Criteria: GeneDx Variant Classification Process June 2021. Collection method: clinical testing. Allele origin: germline. Affected: yes.
Comment: Not observed at significant frequency in large population cohorts (gnomAD); In silico analysis supports that this missense variant has a deleterious effect on protein structure/function; Has not been previously published as pathogenic or benign to our knowledge

NM_014991.6(WDFY3):c.661A>G (p.Thr221Ala)

Gene: WDFY3 (WD repeat and FYVE domain containing 3; minus strand). Cytogenetic location: 4q21.23.
Variant type: single nucleotide variant.
Coding change: c.661A>G on transcript NM_014991.6 (MANE Select); coding-DNA position 661, A replaced by G.
Protein change: p.Thr221Ala; replaces threonine 221 with alanine.
Molecular consequence: missense variant.
Genome position (GRCh38, 1-based): chr4:84,831,521, T>C on the plus strand (A>G on the coding strand, the complement: WDFY3 is on the minus strand). VCF-style: chr4-84831521-T-C. GRCh37 (hg19) VCF-style: chr4-85752674-T-C.
Other names: short protein forms T221A.
Identifiers: ClinVar variation 3393702 (VCV003393702.2).